The following is an entry in ClinVar:

ClinVar aggregate classification (germline): Uncertain significance (1 of 4 stars; one submission).

Submission:

GeneDx
Classification: Uncertain significance. Last evaluated: 2025-02-12. Review status: criteria provided, single submitter. Criteria: GeneDx Variant Classification Process June 2021. Collection method: clinical testing. Allele origin: germline. Affected: yes.
Comment: Not observed at significant frequency in large population cohorts (gnomAD); In silico analysis indicates that this missense variant does not alter protein structure/function; Has not been previously published as pathogenic or benign to our knowledge

NM_001042424.3(NSD2):c.4054A>G (p.Arg1352Gly)

Gene: NSD2 (nuclear receptor binding SET domain protein 2; plus strand). Cytogenetic location: 4p16.3.
Variant type: single nucleotide variant.
Coding change: c.4054A>G on transcript NM_001042424.3 (MANE Select); coding-DNA position 4054, A replaced by G.
Protein change: p.Arg1352Gly; replaces arginine 1352 with glycine.
Molecular consequence: missense variant.
Genome position (GRCh38, 1-based): chr4:1,978,865, A>G. VCF-style: chr4-1978865-A-G. GRCh37 (hg19) VCF-style: chr4-1980592-A-G.
Other names: c.4054A>G, p.Arg1352Gly (NM_001440892.1, NM_133330.3, NM_133331.3 and 1 more transcripts); c.4153A>G, p.Arg1385Gly (NM_001440893.1); c.3937A>G, p.Arg1313Gly (NM_001440894.1); c.3907A>G, p.Arg1303Gly (NM_001440895.1); c.3853A>G, p.Arg1285Gly (NM_001440896.1); c.3847A>G, p.Arg1283Gly (NM_001440897.1); c.3730A>G, p.Arg1244Gly (NM_001440898.1); c.3085A>G, p.Arg1029Gly (NM_001440899.1, NM_001440900.1); short protein forms R1029G, R1244G, R1283G, R1285G, R1303G, R1313G, R1352G, R1385G.
Identifiers: ClinVar variation 4075524 (VCV004075524.1).